The following is an entry in ClinVar:

NM_080680.3(COL11A2):c.4753G>A (p.Glu1585Lys)

Gene: COL11A2 (collagen type XI alpha 2 chain; minus strand). Cytogenetic location: 6p21.32.
Variant type: single nucleotide variant.
Coding change: c.4753G>A on transcript NM_080680.3 (MANE Select); coding-DNA position 4753, G replaced by A.
Protein change: p.Glu1585Lys; replaces glutamic acid 1585 with lysine.
Molecular consequence: missense variant.
Genome position (GRCh38, 1-based): chr6:33,164,962, C>T on the plus strand (G>A on the coding strand, the complement: COL11A2 is on the minus strand). VCF-style: chr6-33164962-C-T. GRCh37 (hg19) VCF-style: chr6-33132739-C-T.
Other names: c.4573G>A, p.Glu1525Lys (NM_001424108.1); c.3907G>A, p.Glu1303Lys (NM_001424109.1); c.3727G>A, p.Glu1243Lys (NM_001424110.1, NM_001424111.1); c.2707G>A, p.Glu903Lys (NM_001424112.1); c.4432G>A, p.Glu1478Lys (NM_080679.3); c.4495G>A, p.Glu1499Lys (NM_080681.3); short protein forms E1478K, E903K, E1243K, E1303K, E1499K, E1525K, E1585K.
Identifiers: ClinVar variation 3684150 (VCV003684150.3).

ClinVar aggregate classification (germline): Uncertain significance. Review status: criteria provided, multiple submitters, no conflicts (2 of 4 stars). 2 submissions from 2 submitters: Uncertain significance (2). Last evaluated 2024-07-12.

gnomAD v4.1: 11 of 1,570,670 alleles (0.0007%); highest among the groups gnomAD compares: Non-Finnish European, 0.00095%; no homozygotes.

Submissions (2):

Labcorp Genetics (formerly Invitae), Labcorp
Classification: Uncertain significance. Last evaluated: 2024-07-12. Review status: criteria provided, single submitter. Criteria: Invitae Variant Classification Sherloc (09022015). Collection method: clinical testing. Allele origin: germline.
Comment: This sequence change replaces glutamic acid, which is acidic and polar, with lysine, which is basic and polar, at codon 1585 of the COL11A2 protein (p.Glu1585Lys). This variant is not present in population databases (gnomAD no frequency). This variant has not been reported in the literature in individuals affected with COL11A2-related conditions. Experimental studies and prediction algorithms are not available or were not evaluated, and the functional significance of this variant is currently unknown. In summary, the available evidence is currently insufficient to determine the role of this variant in disease. Therefore, it has been classified as a Variant of Uncertain Significance.

Blueprint Genetics
Classification: Uncertain significance. Last evaluated: 2020-03-04. Review status: criteria provided, single submitter. Criteria: ACMG Guidelines, 2015. Collection method: clinical testing. Allele origin: germline.